The following is an entry in ClinVar:

NM_015662.3(IFT172):c.2210A>G (p.Glu737Gly)

Gene: IFT172 (intraflagellar transport 172; minus strand). Cytogenetic location: 2p23.3.
Variant type: single nucleotide variant.
Coding change: c.2210A>G on transcript NM_015662.3 (MANE Select); coding-DNA position 2210, A replaced by G.
Protein change: p.Glu737Gly; replaces glutamic acid 737 with glycine.
Molecular consequence: missense variant.
Genome position (GRCh38, 1-based): chr2:27,461,501, T>C on the plus strand (A>G on the coding strand, the complement: IFT172 is on the minus strand). VCF-style: chr2-27461501-T-C. GRCh37 (hg19) VCF-style: chr2-27684368-T-C.
Other names: c.2144A>G, p.Glu715Gly (NM_001410739.1); short protein forms E737G, E715G.
Identifiers: ClinVar variation 2089521 (VCV002089521.4), dbSNP rs2465878982, ClinGen allele CA346384741.
Genomic context (GRCh38, chr2:27,461,501, plus strand): 5'-CCTGCTCGCTCCTCTTGCTGTGTGTCCATCAGCCACTGGTAGTAACTACGACGTAGCTTC[T>C]CCAGGGCTGGGTGCCCCTGGACATGCACAGAGGACAACTAGGAGTCACATCCCCCTTCCT-3'
Protein context (NP_056477.1, residues 727-747): VAEAKGHPAL[Glu737Gly]KLRRSYYQWL

ClinVar aggregate classification (germline): Uncertain significance (1 of 4 stars; one submission).

Conditions:
Short-rib thoracic dysplasia 10 with or without polydactyly (SRTD10). Identifiers: Orphanet 474, MedGen C3810175, MONDO:0014284, OMIM 615630.
Retinitis pigmentosa 71 (RP71). Identifiers: Orphanet 791, MedGen C4225342, MONDO:0014618, OMIM 616394.

Submission:

Labcorp Genetics (formerly Invitae), Labcorp
Classification: Uncertain significance for Retinitis pigmentosa 71; Short-rib thoracic dysplasia 10 with or without polydactyly. Last evaluated: 2023-07-10. Review status: criteria provided, single submitter. Criteria: Invitae Variant Classification Sherloc (09022015). Collection method: clinical testing. Allele origin: germline.
Comment: This sequence change replaces glutamic acid, which is acidic and polar, with glycine, which is neutral and non-polar, at codon 737 of the IFT172 protein (p.Glu737Gly). This variant is not present in population databases (gnomAD no frequency). This variant has not been reported in the literature in individuals affected with IFT172-related conditions. ClinVar contains an entry for this variant (Variation ID: 2089521). Advanced modeling of protein sequence and biophysical properties (such as structural, functional, and spatial information, amino acid conservation, physicochemical variation, residue mobility, and thermodynamic stability) performed at Invitae indicates that this missense variant is not expected to disrupt IFT172 protein function. In summary, the available evidence is currently insufficient to determine the role of this variant in disease. Therefore, it has been classified as a Variant of Uncertain Significance.